The following is an entry in ClinVar:

NM_031892.3(SH3KBP1):c.1764G>A (p.Pro588=)

Gene: SH3KBP1 (SH3 domain containing kinase binding protein 1; minus strand). Cytogenetic location: Xp22.12.
Variant type: single nucleotide variant.
Coding change: c.1764G>A on transcript NM_031892.3 (MANE Select); coding-DNA position 1764, G replaced by A.
Protein change: p.Pro588=; no amino-acid change (proline 588 retained).
Molecular consequence: synonymous variant.
Genome position (GRCh38, 1-based): chrX:19,542,053, C>T on the plus strand (G>A on the coding strand, the complement: SH3KBP1 is on the minus strand). VCF-style: chrX-19542053-C-T. GRCh37 (hg19) VCF-style: chrX-19560171-C-T.
Other names: c.1653G>A, p.Pro551= (NM_001024666.3); c.1050G>A, p.Pro350= (NM_001184960.2); c.1635G>A, p.Pro545= (NM_001353890.2); c.1839G>A, p.Pro613= (NM_001353891.2); c.1710G>A, p.Pro570= (NM_001353892.2); c.1662G>A, p.Pro554= (NM_001353893.2); c.1533G>A, p.Pro511= (NM_001353894.2); c.1590G>A, p.Pro530= (NM_001353895.2); and 1 more.
Identifiers: ClinVar variation 1642644 (VCV001642644.32), dbSNP rs200949699, ClinGen allele CA10364451.

ClinVar aggregate classification (germline): Benign/Likely benign. Review status: criteria provided, multiple submitters, no conflicts (2 of 4 stars). 2 submissions from 2 submitters: Benign (1); Likely benign (1). Last evaluated 2026-01-21.

Allele frequency attached by ClinVar (database versions not stated): ESP Exome Variant Server 0.00009; ExAC 0.00013; gnomAD exomes 0.00020; gnomAD 0.00025 and 0.00030.
gnomAD v4.1: 269 of 1,210,341 alleles (0.022%); highest among the groups gnomAD compares: Middle Eastern, 0.6%; 1 homozygote.

Submissions (2):

Labcorp Genetics (formerly Invitae), Labcorp
Classification: Benign. Last evaluated: 2026-01-21. Review status: criteria provided, single submitter. Criteria: Invitae Variant Classification Sherloc (09022015). Collection method: clinical testing. Allele origin: germline.

CeGaT Center for Human Genetics Tuebingen
Classification: Likely benign. Last evaluated: 2023-04-01. Review status: criteria provided, single submitter. Criteria: CeGaT Center For Human Genetics Tuebingen Variant Classification Criteria Version 2. Collection method: clinical testing. Allele origin: germline. Affected: yes. Observed: 1 variant allele.
Comment: SH3KBP1: BP4, BP7, BS2